The following is an entry in ClinVar:

ClinVar aggregate classification (germline): Conflicting classifications of pathogenicity. Review status: criteria provided, conflicting classifications (1 of 4 stars). 7 submissions from 7 submitters: Uncertain significance (4); Likely benign (3). Last evaluated 2025-08-27.

Conditions:
TSC2-related disorder. Also called: TSC2-related condition; TSC2-Related Disorders.
Hereditary cancer-predisposing syndrome. Also called: Neoplastic Syndromes, Hereditary; Hereditary Cancer Syndrome; Tumor predisposition; Hereditary neoplastic syndrome. Identifiers: Orphanet 140162, MedGen C0027672, MeSH D009386, MONDO:0015356.
Tuberous sclerosis syndrome (TSC). Also called: Tuberous Sclerosis Complex; Tuberous sclerosis. Identifiers: Orphanet 805, MedGen C0041341, MONDO:0001734.
Tuberous sclerosis 2 (TSC2). Identifiers: Orphanet 805, MedGen C1860707, MONDO:0013199, OMIM 613254.

Allele frequency attached by ClinVar (database versions not stated): gnomAD 0.00001; gnomAD exomes 0.00001; TOPMed 0.00001.
gnomAD v4.1: 6 of 1,604,558 alleles (0.00037%); highest among the groups gnomAD compares: Non-Finnish European, 0.00051%; no homozygotes.

Submissions (7):

Labcorp Genetics (formerly Invitae), Labcorp
Classification: Likely benign for Tuberous sclerosis 2. Last evaluated: 2025-08-27. Review status: criteria provided, single submitter. Criteria: Invitae Variant Classification Sherloc (09022015). Collection method: clinical testing. Allele origin: germline.

Color Diagnostics, LLC DBA Color Health
Classification: Uncertain significance for Tuberous sclerosis syndrome. Last evaluated: 2025-07-11. Review status: criteria provided, single submitter. Criteria: ACMG Guidelines, 2015. Collection method: clinical testing. Allele origin: germline.
Comment: This missense variant replaces proline with threonine at codon 1458 of the TSC2 protein. Computational prediction is inconclusive regarding the impact of this variant on protein structure and function. To our knowledge, functional studies have not been reported for this variant. This variant has not been reported in individuals affected with TSC2-related disorders in the literature. This variant has been identified in 2/238874 chromosomes in the general population by the Genome Aggregation Database (gnomAD). The available evidence is insufficient to determine the role of this variant in disease conclusively. Therefore, this variant is classified as a Variant of Uncertain Significance.

PreventionGenetics, part of Exact Sciences
Classification: Uncertain significance for TSC2-related condition. Last evaluated: 2025-05-29. Review status: criteria provided, single submitter. Criteria: ACMG Guidelines, 2015. Collection method: clinical testing. Allele origin: germline.
Comment: The TSC2 c.4372C>A variant is predicted to result in the amino acid substitution p.Pro1458Thr. To our knowledge, this variant has not been reported in the literature. This variant is reported in 0.0018% of alleles in individuals of European (Non-Finnish) descent in gnomAD. At this time, the clinical significance of this variant is uncertain due to the absence of conclusive functional and genetic evidence.

Ambry Genetics
Classification: Likely benign for Hereditary cancer-predisposing syndrome. Last evaluated: 2022-12-12. Review status: criteria provided, single submitter. Criteria: Ambry Variant Classification Scheme 2023. Collection method: clinical testing. Allele origin: germline.

Genome-Nilou Lab
Classification: Likely benign for Tuberous sclerosis 2. Last evaluated: 2021-11-07. Review status: criteria provided, single submitter. Criteria: ACMG Guidelines, 2015. Collection method: clinical testing. Allele origin: germline. Affected: no.

GeneDx
Classification: Uncertain significance. Last evaluated: 2019-09-20. Review status: criteria provided, single submitter. Criteria: GeneDx Variant Classification Process June 2021. Collection method: clinical testing. Allele origin: germline. Affected: yes.
Comment: In silico analysis, which includes protein predictors and evolutionary conservation, supports a deleterious effect; Has not been previously published as pathogenic or benign to our knowledge

Eurofins Ntd Llc (ga)
Classification: Uncertain significance. Last evaluated: 2016-09-29. Review status: criteria provided, single submitter. Criteria: EGL Classification Definitions 2015. Collection method: clinical testing. Allele origin: germline. Observed: 3 variant alleles, 3 heterozygotes.

NM_000548.5(TSC2):c.4372C>A (p.Pro1458Thr)

Gene: TSC2 (TSC complex subunit 2; plus strand). Cytogenetic location: 16p13.3.
Variant type: single nucleotide variant.
Coding change: c.4372C>A on transcript NM_000548.5 (MANE Select); coding-DNA position 4372, C replaced by A.
Protein change: p.Pro1458Thr; replaces proline 1458 with threonine.
Molecular consequence: missense variant.
Genome position (GRCh38, 1-based): chr16:2,084,594, C>A. VCF-style: chr16-2084594-C-A. GRCh37 (hg19) VCF-style: chr16-2134595-C-A.
Other names: c.4171C>A, p.Pro1391Thr (NM_001077183.3); c.4303C>A, p.Pro1435Thr (NM_001114382.3); c.4063C>A, p.Pro1355Thr (NM_001318827.2); c.4372C>A (NM_000548.4); c.4027C>A, p.Pro1343Thr (NM_001318829.2); c.3640C>A, p.Pro1214Thr (NM_001318831.2); c.4204C>A, p.Pro1402Thr (NM_001318832.2); c.4174C>A, p.Pro1392Thr (NM_001363528.2); and 2 more; short protein forms P1458T, P1214T, P1355T, P1402T, P1414T, P1415T, P1391T, P1392T.
Identifiers: ClinVar variation 497137 (VCV000497137.23), dbSNP rs1189784704, ClinGen allele CA394301760.
Genomic context (GRCh38, chr16:2,084,594, plus strand): 5'-CGGGGCCAGCCCGAGGGTCCCTTGCCTTCCAGCTCCCCCCGCTCGCCCAGTGGCCTCCGG[C>A]CCCGAGGTTACACCATCTCCGACTCGGCCCCATCACGCAGGGGCAAGAGAGTAGAGAGGG-3'
Protein context (NP_000539.2, residues 1448-1468): SSPRSPSGLR[Pro1458Thr]RGYTISDSAP